The following is an entry in ClinVar:

NM_005739.4(RASGRP1):c.1997G>A (p.Arg666Lys)

Gene: RASGRP1 (RAS guanyl releasing protein 1; minus strand). Cytogenetic location: 15q14.
Variant type: single nucleotide variant.
Coding change: c.1997G>A on transcript NM_005739.4 (MANE Select); coding-DNA position 1997, G replaced by A.
Protein change: p.Arg666Lys; replaces arginine 666 with lysine.
Molecular consequence: missense variant. On other transcripts: intron variant (1).
Genome position (GRCh38, 1-based): chr15:38,494,644, C>T on the plus strand (G>A on the coding strand, the complement: RASGRP1 is on the minus strand). VCF-style: chr15-38494644-C-T. GRCh37 (hg19) VCF-style: chr15-38786845-C-T.
Other names: c.1892G>A, p.Arg631Lys (NM_001128602.2); c.1769-3956G>A (NM_001306086.2); short protein forms R666K, R631K.
Identifiers: ClinVar variation 4704124 (VCV004704124.1).

ClinVar aggregate classification (germline): Uncertain significance (1 of 4 stars; one submission).

gnomAD v4.1: 7 of 1,552,850 alleles (0.00045%); highest among the groups gnomAD compares: Non-Finnish European, 0.00061%; no homozygotes.

Submission:

Labcorp Genetics (formerly Invitae), Labcorp
Classification: Uncertain significance. Last evaluated: 2025-08-17. Review status: criteria provided, single submitter. Criteria: Invitae Variant Classification Sherloc (09022015). Collection method: clinical testing. Allele origin: germline.
Comment: This sequence change replaces arginine, which is basic and polar, with lysine, which is basic and polar, at codon 666 of the RASGRP1 protein (p.Arg666Lys). This variant is not present in population databases (gnomAD no frequency). This variant has not been reported in the literature in individuals affected with RASGRP1-related conditions. Invitae Evidence Modeling of protein sequence and biophysical properties (such as structural, functional, and spatial information, amino acid conservation, physicochemical variation, residue mobility, and thermodynamic stability) indicates that this missense variant is not expected to disrupt RASGRP1 protein function with a negative predictive value of 80%. In summary, the available evidence is currently insufficient to determine the role of this variant in disease. Therefore, it has been classified as a Variant of Uncertain Significance.